The following is an entry in ClinVar:

NM_006623.4(PHGDH):c.364C>G (p.Pro122Ala)

Gene: PHGDH (phosphoglycerate dehydrogenase; plus strand). Cytogenetic location: 1p12.
Variant type: single nucleotide variant.
Coding change: c.364C>G on transcript NM_006623.4 (MANE Select); coding-DNA position 364, C replaced by G.
Protein change: p.Pro122Ala; replaces proline 122 with alanine.
Molecular consequence: missense variant.
Genome position (GRCh38, 1-based): chr1:119,726,858, C>G. VCF-style: chr1-119726858-C-G. GRCh37 (hg19) VCF-style: chr1-120269481-C-G.
Other names: short protein forms P122A.
Identifiers: ClinVar variation 3703862 (VCV003703862.2).

ClinVar aggregate classification (germline): Uncertain significance (1 of 4 stars; one submission).

Conditions:
PHGDH deficiency. Identifiers: Orphanet 79351, MedGen C1866174, MONDO:0011152, OMIM 601815.

Submission:

Labcorp Genetics (formerly Invitae), Labcorp
Classification: Uncertain significance for PHGDH deficiency. Last evaluated: 2025-03-10. Review status: criteria provided, single submitter. Criteria: Invitae Variant Classification Sherloc (09022015). Collection method: clinical testing. Allele origin: germline.
Comment: This sequence change replaces proline, which is neutral and non-polar, with alanine, which is neutral and non-polar, at codon 122 of the PHGDH protein (p.Pro122Ala). This variant is present in population databases (rs759764894, gnomAD 0.01%). This variant has not been reported in the literature in individuals affected with PHGDH-related conditions. Invitae Evidence Modeling of protein sequence and biophysical properties (such as structural, functional, and spatial information, amino acid conservation, physicochemical variation, residue mobility, and thermodynamic stability) has been performed for this missense variant. However, the output from this modeling did not meet the statistical confidence thresholds required to predict the impact of this variant on PHGDH protein function. In summary, the available evidence is currently insufficient to determine the role of this variant in disease. Therefore, it has been classified as a Variant of Uncertain Significance.